The following is an entry in ClinVar:

NM_000046.5(ARSB):c.899-1337_1142+1055del

Gene: ARSB (arylsulfatase B; minus strand). Cytogenetic location: 5q14.1.
Variant type: Deletion.
Coding change: c.899-1337_1142+1055del on transcript NM_000046.5 (MANE Select); 1337 bases into the intron before coding-DNA position 899 through 1055 bases into the intron after coding-DNA position 1142, 2,636 bases deleted.
Molecular consequence: splice acceptor variant, splice donor variant.
Genome position (GRCh38, 1-based): chr5:78,884,529-78,887,164, 2,636 bases deleted. GRCh37 (hg19): chr5:78,180,356-78,182,991.
Other names: c.899-1337_1142+1055del (NM_198709.3).
Identifiers: ClinVar variation 559818 (VCV000559818.1), ClinGen allele CA658821962.

ClinVar aggregate classification (germline): Pathogenic (1 of 4 stars; one submission).

Conditions:
Mucopolysaccharidosis type 6 (MPS6). Also called: N-ACETYLGALACTOSAMINE-4-SULFATASE DEFICIENCY; MPS VI; MPS 6; Maroteaux Lamy syndrome; ARSB DEFICIENCY; ARYLSULFATASE B DEFICIENCY. Identifiers: Orphanet 583, MedGen C0026709, MONDO:0009661, OMIM 253200.

Submission:

Laboratory of Diagnosis and Therapy of Lysosomal Disorders, University of Padova
Classification: Pathogenic for Mucopolysaccharidosis type 6. Last evaluated: 2018-01-01. Review status: criteria provided, single submitter. Criteria: ACMG Guidelines, 2015. Collection method: curation. Allele origin: germline. Affected: yes.
Comment: Single exon deletion (PVS1); In vitro functional studies supportive of a damaging effect on the gene product (c.DNA and protein analysis; PS3); Absent from GnomAD (PM2)

Literature cited by the submitters: PubMed 20143913; PubMed 30118150.